The following is an entry in ClinVar:

NM_004984.4(KIF5A):c.1419G>A (p.Leu473=)

Gene: KIF5A (kinesin family member 5A; plus strand). Cytogenetic location: 12q13.3.
Variant type: single nucleotide variant.
Coding change: c.1419G>A on transcript NM_004984.4 (MANE Select); coding-DNA position 1419, G replaced by A.
Protein change: p.Leu473=; no amino-acid change (leucine 473 retained).
Molecular consequence: synonymous variant.
Genome position (GRCh38, 1-based): chr12:57,572,117, G>A. VCF-style: chr12-57572117-G-A. GRCh37 (hg19) VCF-style: chr12-57965900-G-A.
Other names: p.Leu473=; c.1152G>A, p.Leu384= (NM_001354705.2).
Identifiers: ClinVar variation 386159 (VCV000386159.37), dbSNP rs139091551, ClinGen allele CA6652854.
Genomic context (GRCh38, chr12:57,572,117, plus strand): 5'-GAAGCTGCTGGTGTCCACCCGAGGAGACAACGAGAAGGTCCAGCGGGAGCTGAGCCACCT[G>A]CAATCAGAGAACGATGCCGCTAAGGATGAGGTGAAGGAAGTGCTGCAGGCCCTGGAGGAG-3'
Protein context (NP_004975.2, residues 463-483): NEKVQRELSH[Leu473=]QSENDAAKDE

ClinVar aggregate classification (germline): Conflicting classifications of pathogenicity. Review status: criteria provided, conflicting classifications (1 of 4 stars). 8 submissions from 8 submitters: Uncertain significance (1); Benign (4); Likely benign (2). 1 of the submissions does not count toward it. Last evaluated 2026-01-18.

Conditions:
Spastic paraplegia. Identifiers: MedGen C0037772, HP:0001258.
KIF5A-related disorder. Also called: KIF5A-related disorders; KIF5A-related condition.

Allele frequency attached by ClinVar (database versions not stated): gnomAD exomes 0.00025; ExAC 0.00028; gnomAD 0.00070; ESP Exome Variant Server 0.00108; 1000 Genomes Project 30x 0.00078; 1000 Genomes Project 0.00080; TOPMed 0.00095.
gnomAD v4.1: 276 of 1,614,166 alleles (0.017%); highest among the groups gnomAD compares: African/African-American, 0.28%; no homozygotes.

Submissions (8):

Labcorp Genetics (formerly Invitae), Labcorp
Classification: Benign for Spastic paraplegia. Last evaluated: 2026-01-18. Review status: criteria provided, single submitter. Criteria: Invitae Variant Classification Sherloc (09022015). Collection method: clinical testing. Allele origin: germline.

CeGaT Center for Human Genetics Tuebingen
Classification: Benign. Last evaluated: 2025-10-01. Review status: criteria provided, single submitter. Criteria: CeGaT Center For Human Genetics Tuebingen Variant Classification Criteria Version 2. Collection method: clinical testing. Allele origin: germline. Affected: yes. Observed: 1 variant allele.
Comment: KIF5A: BP4, BS1, BS2

GeneDx
Classification: Benign. Last evaluated: 2025-06-16. Review status: criteria provided, single submitter. Criteria: GeneDx Variant Classification Process June 2021. Collection method: clinical testing. Allele origin: germline. Affected: yes.
Comment: See Variant Classification Assertion Criteria.

Mayo Clinic Laboratories, Mayo Clinic
Classification: Benign. Last evaluated: 2025-02-07. Review status: criteria provided, single submitter. Criteria: ACMG Guidelines, 2015. Collection method: clinical testing. Allele origin: germline. Observed: 2 variant alleles.
Comment: BS1, BS2, BP4, BP7

Blueprint Genetics
Classification: Likely benign. Last evaluated: 2024-07-04. Review status: criteria provided, single submitter. Criteria: ACMG Guidelines, 2015. Collection method: clinical testing. Allele origin: germline.

ARUP Laboratories, Molecular Genetics and Genomics, ARUP Laboratories
Classification: Likely benign. Last evaluated: 2020-01-09. Review status: criteria provided, single submitter. Criteria: ARUP Molecular Germline Variant Investigation Process. Collection method: clinical testing. Allele origin: germline.

Eurofins Ntd Llc (ga)
Classification: Uncertain significance. Last evaluated: 2017-01-17. Review status: criteria provided, single submitter. Criteria: EGL Classification Definitions 2015. Collection method: clinical testing. Allele origin: germline. Observed: 1 variant allele, 1 heterozygote.

PreventionGenetics, part of Exact Sciences
Classification: Likely benign for KIF5A-related condition. Last evaluated: 2019-05-23. Review status: no assertion criteria provided. Collection method: clinical testing. Allele origin: germline. Not counted in ClinVar's aggregate classification.
Comment: This variant is classified as likely benign based on ACMG/AMP sequence variant interpretation guidelines (Richards et al. 2015 PMID: 25741868, with internal and published modifications).